The following is an entry in ClinVar:

ClinVar aggregate classification (germline): Likely benign. Review status: criteria provided, multiple submitters, no conflicts (2 of 4 stars). 5 submissions from 5 submitters: Likely benign (5). Last evaluated 2025-07-24.

Conditions:
Inborn genetic diseases. Identifiers: MedGen C0950123, MeSH D030342.
Wilson disease (WND). Also called: Wilson's disease. Identifiers: Orphanet 905, MedGen C0019202, MONDO:0010200, OMIM 277900. Disease mechanism: loss of function.

Allele frequency attached by ClinVar (database versions not stated): TOPMed 0.00002; gnomAD 0.00003.
gnomAD v4.1: 12 of 1,613,310 alleles (0.00074%); highest among the groups gnomAD compares: South Asian, 0.0011%; no homozygotes.

Submissions (5):

Labcorp Genetics (formerly Invitae), Labcorp
Classification: Likely benign for Wilson disease. Last evaluated: 2025-07-24. Review status: criteria provided, single submitter. Criteria: Invitae Variant Classification Sherloc (09022015). Collection method: clinical testing. Allele origin: germline.

All of Us Research Program, National Institutes of Health
Classification: Likely benign for Wilson disease. Last evaluated: 2023-09-17. Review status: criteria provided, single submitter. Criteria: ACMG Guidelines, 2015. Collection method: clinical testing. Allele origin: germline. Inheritance: Autosomal recessive inheritance. Observed: 3 variant alleles, 3 heterozygotes.
Comment: This study involves interpretation of variants in research participants for the purpose of population health screening. Participant phenotype was not available at the time of variant classification. Additional details can be found in publication PMID: 35346344, PMCID: PMC8962531

Ambry Genetics
Classification: Likely benign for Inborn genetic diseases. Last evaluated: 2022-11-02. Review status: criteria provided, single submitter. Criteria: Ambry Variant Classification Scheme 2023. Collection method: clinical testing. Allele origin: germline.

Color Diagnostics, LLC DBA Color Health
Classification: Likely benign for Wilson disease. Last evaluated: 2022-04-28. Review status: criteria provided, single submitter. Criteria: ACMG Guidelines, 2015. Collection method: clinical testing. Allele origin: germline.

GeneDx
Classification: Likely benign. Last evaluated: 2020-01-13. Review status: criteria provided, single submitter. Criteria: GeneDx Variant Classification Process June 2021. Collection method: clinical testing. Allele origin: germline. Affected: yes.

NM_000053.4(ATP7B):c.2979G>C (p.Thr993=)

Gene: ATP7B (ATPase copper transporting beta; minus strand). Cytogenetic location: 13q14.3.
Variant type: single nucleotide variant.
Coding change: c.2979G>C on transcript NM_000053.4 (MANE Select); coding-DNA position 2979, G replaced by C.
Protein change: p.Thr993=; no amino-acid change (threonine 993 retained).
Molecular consequence: synonymous variant.
Genome position (GRCh38, 1-based): chr13:51,946,365, C>G on the plus strand (G>C on the coding strand, the complement: ATP7B is on the minus strand). VCF-style: chr13-51946365-C-G. GRCh37 (hg19) VCF-style: chr13-52520501-C-G.
Other names: c.2358G>C, p.Thr786= (NM_001005918.3); c.2646G>C, p.Thr882= (NM_001243182.2); c.2745G>C, p.Thr915= (NM_001330578.2); c.2727G>C, p.Thr909= (NM_001330579.2).
Identifiers: ClinVar variation 509269 (VCV000509269.17), dbSNP rs200656411, ClinGen allele CA6988848.